The following is an entry in ClinVar:

NM_001130987.2(DYSF):c.3916C>G (p.Pro1306Ala)

Gene: DYSF (dysferlin; plus strand). Cytogenetic location: 2p13.2.
Variant type: single nucleotide variant.
Coding change: c.3916C>G on transcript NM_001130987.2 (MANE Select); coding-DNA position 3916, C replaced by G.
Protein change: p.Pro1306Ala; replaces proline 1306 with alanine.
Molecular consequence: missense variant.
Genome position (GRCh38, 1-based): chr2:71,601,517, C>G. VCF-style: chr2-71601517-C-G. GRCh37 (hg19) VCF-style: chr2-71828647-C-G.
Other names: c.3820C>G, p.Pro1274Ala (NM_001130977.2, NM_001130976.2); c.3862C>G, p.Pro1288Ala (NM_001130978.2, NM_003494.4); c.3955C>G, p.Pro1319Ala (NM_001130979.2); c.3913C>G, p.Pro1305Ala (NM_001130980.2, NM_001130981.2); c.3958C>G, p.Pro1320Ala (NM_001130982.2); c.3865C>G, p.Pro1289Ala (NM_001130983.2, NM_001130455.2); c.3823C>G, p.Pro1275Ala (NM_001130984.2, NM_001130986.2); c.3916C>G, p.Pro1306Ala (NM_001130985.2); short protein forms P1275A, P1288A, P1289A, P1306A, P1274A, P1305A, P1319A, P1320A.
Identifiers: ClinVar variation 843174 (VCV000843174.9), dbSNP rs370620594, ClinGen allele CA1706780.

ClinVar aggregate classification (germline): Uncertain significance. Review status: criteria provided, multiple submitters, no conflicts (2 of 4 stars). 3 submissions from 3 submitters: Uncertain significance (2). 1 of the submissions does not count toward it. Last evaluated 2022-06-20.

Conditions:
Neuromuscular disease caused by qualitative or quantitative defects of dysferlin. Also called: Qualitative or quantitative defects of dysferlin; Dysferlinopathy. Identifiers: Orphanet 207073, MedGen C2931687, MONDO:0016145.
Autosomal recessive limb-girdle muscular dystrophy type 2B (LGMDR2). Also called: MUSCULAR DYSTROPHY, LIMB-GIRDLE, TYPE 3; MUSCULAR DYSTROPHY, LIMB-GIRDLE, AUTOSOMAL RECESSIVE 2; Limb-girdle muscular dystrophy, type 2B; Limb-Girdle Muscular Dystrophy Type 2B (LGMD2B). Identifiers: Orphanet 268, MedGen C1850889, MONDO:0009676, OMIM 253601.

Allele frequency attached by ClinVar (database versions not stated): ExAC 0.00001; gnomAD exomes 0.00001; TOPMed 0.00002; ESP Exome Variant Server 0.00008.
gnomAD v4.1: 16 of 1,614,172 alleles (0.00099%); highest among the groups gnomAD compares: Non-Finnish European, 0.0014%; no homozygotes.

Submissions (3):

Labcorp Genetics (formerly Invitae), Labcorp
Classification: Uncertain significance for Neuromuscular disease caused by qualitative or quantitative defects of dysferlin. Last evaluated: 2022-06-20. Review status: criteria provided, single submitter. Criteria: Invitae Variant Classification Sherloc (09022015). Collection method: clinical testing. Allele origin: germline.
Comment: This sequence change replaces proline, which is neutral and non-polar, with alanine, which is neutral and non-polar, at codon 1288 of the DYSF protein (p.Pro1288Ala). This variant is present in population databases (rs370620594, gnomAD 0.0009%). This variant has not been reported in the literature in individuals affected with DYSF-related conditions. ClinVar contains an entry for this variant (Variation ID: 843174). Advanced modeling of protein sequence and biophysical properties (such as structural, functional, and spatial information, amino acid conservation, physicochemical variation, residue mobility, and thermodynamic stability) performed at Invitae indicates that this missense variant is not expected to disrupt DYSF protein function. In summary, the available evidence is currently insufficient to determine the role of this variant in disease. Therefore, it has been classified as a Variant of Uncertain Significance.

Revvity Omics, Revvity
Classification: Uncertain significance. Last evaluated: 2019-06-14. Review status: criteria provided, single submitter. Criteria: ACMG Guidelines, 2015. Collection method: clinical testing. Allele origin: germline.

Natera, Inc.
Classification: Uncertain significance for Limb-girdle muscular dystrophy type 2B. Last evaluated: 2020-01-17. Review status: no assertion criteria provided. Collection method: clinical testing. Allele origin: germline. Not counted in ClinVar's aggregate classification.